The following is an entry in ClinVar:

NM_001041.4(SI):c.1163A>G (p.Asp388Gly)

Gene: SI (sucrase-isomaltase; minus strand). Cytogenetic location: 3q26.1.
Variant type: single nucleotide variant.
Coding change: c.1163A>G on transcript NM_001041.4 (MANE Select); coding-DNA position 1163, A replaced by G.
Protein change: p.Asp388Gly; replaces aspartic acid 388 with glycine.
Molecular consequence: missense variant.
Genome position (GRCh38, 1-based): chr3:165,059,283, T>C on the plus strand (A>G on the coding strand, the complement: SI is on the minus strand). VCF-style: chr3-165059283-T-C. GRCh37 (hg19) VCF-style: chr3-164777071-T-C.
Other names: short protein forms D388G.
Identifiers: ClinVar variation 1510701 (VCV001510701.5), dbSNP rs748610903, ClinGen allele CA2691158.

ClinVar aggregate classification (germline): Uncertain significance (1 of 4 stars; one submission).

Allele frequency attached by ClinVar (database versions not stated): gnomAD exomes 0.00001; ExAC 0.00002.
gnomAD v4.1: 4 of 1,612,526 alleles (0.00025%); highest among the groups gnomAD compares: Admixed American, 0.005%; no homozygotes.

Submission:

Labcorp Genetics (formerly Invitae), Labcorp
Classification: Uncertain significance. Last evaluated: 2021-08-30. Review status: criteria provided, single submitter. Criteria: Invitae Variant Classification Sherloc (09022015). Collection method: clinical testing. Allele origin: germline.
Comment: This sequence change replaces aspartic acid with glycine at codon 388 of the SI protein (p.Asp388Gly). The aspartic acid residue is moderately conserved and there is a moderate physicochemical difference between aspartic acid and glycine. This variant is present in population databases (rs748610903, ExAC 0.02%). This variant has not been reported in the literature in individuals affected with SI-related conditions. Advanced modeling of protein sequence and biophysical properties (such as structural, functional, and spatial information, amino acid conservation, physicochemical variation, residue mobility, and thermodynamic stability) performed at Invitae indicates that this missense variant is expected to disrupt SI protein function. Algorithms developed to predict the effect of sequence changes on RNA splicing suggest that this variant may create or strengthen a splice site. In summary, the available evidence is currently insufficient to determine the role of this variant in disease. Therefore, it has been classified as a Variant of Uncertain Significance.